The following is an entry in ClinVar:

ClinVar aggregate classification (germline): Uncertain significance (1 of 4 stars; one submission).

Conditions:
Hereditary cancer-predisposing syndrome. Also called: Hereditary neoplastic syndrome; Neoplastic Syndromes, Hereditary; Tumor predisposition; Hereditary Cancer Syndrome. Identifiers: Orphanet 140162, MedGen C0027672, MeSH D009386, MONDO:0015356.

Submission:

Labcorp Genetics (formerly Invitae), Labcorp
Classification: Uncertain significance for Hereditary cancer-predisposing syndrome. Last evaluated: 2019-07-05. Review status: criteria provided, single submitter. Criteria: Invitae Variant Classification Sherloc (09022015). Collection method: clinical testing. Allele origin: germline.
Comment: This variant is not present in population databases (ExAC no frequency). This sequence change replaces cysteine with tyrosine at codon 990 of the RAD50 protein (p.Cys990Tyr). The cysteine residue is moderately conserved and there is a large physicochemical difference between cysteine and tyrosine. This variant has not been reported in the literature in individuals with RAD50-related conditions. Algorithms developed to predict the effect of missense changes on protein structure and function output the following: SIFT: "Tolerated"; PolyPhen-2: "Benign"; Align-GVGD: "Class C0". The tyrosine amino acid residue is found in multiple mammalian species, suggesting that this missense change does not adversely affect protein function. These predictions have not been confirmed by published functional studies and their clinical significance is uncertain. In summary, the available evidence is currently insufficient to determine the role of this variant in disease. Therefore, it has been classified as a Variant of Uncertain Significance.

NM_005732.4(RAD50):c.2969G>A (p.Cys990Tyr)

Gene: RAD50 (RAD50 double strand break repair protein; plus strand). Cytogenetic location: 5q31.1.
Variant type: single nucleotide variant.
Coding change: c.2969G>A on transcript NM_005732.4 (MANE Select); coding-DNA position 2969, G replaced by A.
Protein change: p.Cys990Tyr; replaces cysteine 990 with tyrosine.
Molecular consequence: missense variant.
Genome position (GRCh38, 1-based): chr5:132,609,329, G>A. VCF-style: chr5-132609329-G-A. GRCh37 (hg19) VCF-style: chr5-131945021-G-A.
Other names: short protein forms C990Y.
Identifiers: ClinVar variation 939947 (VCV000939947.10), dbSNP rs1751043606, ClinGen allele CA360960549.